The following is an entry in ClinVar:

NM_001370259.2(MEN1):c.264C>T (p.Ala88=)

Gene: MEN1 (menin 1; minus strand). Cytogenetic location: 11q13.1.
Variant type: single nucleotide variant.
Coding change: c.264C>T on transcript NM_001370259.2 (MANE Select); coding-DNA position 264, C replaced by T.
Protein change: p.Ala88=; no amino-acid change (alanine 88 retained).
Molecular consequence: synonymous variant. On other transcripts: non-coding transcript variant (4).
Genome position (GRCh38, 1-based): chr11:64,809,846, G>A on the plus strand (C>T on the coding strand, the complement: MEN1 is on the minus strand). VCF-style: chr11-64809846-G-A. GRCh37 (hg19) VCF-style: chr11-64577318-G-A.
Other names: c.264C>T, p.Ala88= (NM_000244.4, NM_001370251.2, NM_001370260.2 and 20 more transcripts).
Identifiers: ClinVar variation 1794300 (VCV001794300.5), dbSNP rs754098190, ClinGen allele CA475163695.

ClinVar aggregate classification (germline): Benign/Likely benign. Review status: criteria provided, multiple submitters, no conflicts (2 of 4 stars). 3 submissions from 3 submitters: Benign (1); Likely benign (2). Last evaluated 2024-10-31.

Conditions:
Multiple endocrine neoplasia, type 1 (MEN1). Also called: MEA I; MEN I; WERMER SYNDROME; Endocrine adenomatosis multiple; MEN 1. Identifiers: Orphanet 652, MedGen C0025267, MeSH D018761, MONDO:0007540, OMIM 131100.
Hereditary cancer-predisposing syndrome. Also called: Neoplastic Syndromes, Hereditary; Tumor predisposition; Hereditary neoplastic syndrome; Hereditary Cancer Syndrome. Identifiers: Orphanet 140162, MedGen C0027672, MeSH D009386, MONDO:0015356.

Allele frequency attached by ClinVar (database versions not stated): gnomAD exomes below 0.00001.
gnomAD v4.1: 1 of 1,613,016 alleles (0.000062%); highest among the groups gnomAD compares: South Asian, 0.0011%; no homozygotes.

Submissions (3):

Myriad Genetics, Inc.
Classification: Benign for Multiple endocrine neoplasia, type 1. Last evaluated: 2024-10-31. Review status: criteria provided, single submitter. Criteria: Myriad Autosomal Dominant, Autosomal Recessive and X-Linked Classification Criteria (2023). Collection method: clinical testing. Allele origin: unknown.
Comment: This variant is considered benign. This variant is a silent/synonymous amino acid change and it is not expected to impact splicing.

Labcorp Genetics (formerly Invitae), Labcorp
Classification: Likely benign for Multiple endocrine neoplasia, type 1. Last evaluated: 2024-05-15. Review status: criteria provided, single submitter. Criteria: Invitae Variant Classification Sherloc (09022015). Collection method: clinical testing. Allele origin: germline.

Ambry Genetics
Classification: Likely benign for Hereditary cancer-predisposing syndrome. Last evaluated: 2020-11-30. Review status: criteria provided, single submitter. Criteria: Ambry Variant Classification Scheme 2023. Collection method: clinical testing. Allele origin: germline.